The following is an entry in ClinVar:

NM_006623.4(PHGDH):c.1583C>T (p.Ala528Val)

Gene: PHGDH (phosphoglycerate dehydrogenase; plus strand). Cytogenetic location: 1p12.
Variant type: single nucleotide variant.
Coding change: c.1583C>T on transcript NM_006623.4 (MANE Select); coding-DNA position 1583, C replaced by T.
Protein change: p.Ala528Val; replaces alanine 528 with valine.
Molecular consequence: missense variant.
Genome position (GRCh38, 1-based): chr1:119,744,021, C>T. VCF-style: chr1-119744021-C-T. GRCh37 (hg19) VCF-style: chr1-120286644-C-T.
Other names: p.Ala528Val; short protein forms A528V.
Identifiers: ClinVar variation 1342801 (VCV001342801.10), dbSNP rs141408688, ClinGen allele CA1037489.

ClinVar aggregate classification (germline): Conflicting classifications of pathogenicity. Review status: criteria provided, conflicting classifications (1 of 4 stars). 4 submissions from 4 submitters: Uncertain significance (3); Likely benign (1). Last evaluated 2026-01-28.

Conditions:
Inborn genetic diseases. Identifiers: MedGen C0950123, MeSH D030342.
PHGDH deficiency. Identifiers: Orphanet 79351, MedGen C1866174, MONDO:0011152, OMIM 601815.

Allele frequency attached by ClinVar (database versions not stated): ESP Exome Variant Server 0.00023; 1000 Genomes Project 30x 0.00031; 1000 Genomes Project 0.00040.
gnomAD v4.1: 117 of 1,614,174 alleles (0.0072%); highest among the groups gnomAD compares: African/African-American, 0.12%; no homozygotes.

Submissions (4):

Labcorp Genetics (formerly Invitae), Labcorp
Classification: Likely benign for PHGDH deficiency. Last evaluated: 2026-01-28. Review status: criteria provided, single submitter. Criteria: Invitae Variant Classification Sherloc (09022015). Collection method: clinical testing. Allele origin: germline.

Ambry Genetics
Classification: Uncertain significance for Inborn genetic diseases. Last evaluated: 2024-12-16. Review status: criteria provided, single submitter. Criteria: Ambry Variant Classification Scheme 2023. Collection method: clinical testing. Allele origin: germline.

Mayo Clinic Laboratories, Mayo Clinic
Classification: Uncertain significance. Last evaluated: 2024-02-05. Review status: criteria provided, single submitter. Criteria: ACMG Guidelines, 2015. Collection method: clinical testing. Allele origin: germline. Observed: 1 variant allele.
Comment: PM2_moderate

GeneDx
Classification: Uncertain significance. Last evaluated: 2022-02-15. Review status: criteria provided, single submitter. Criteria: GeneDx Variant Classification Process June 2021. Collection method: clinical testing. Allele origin: germline. Affected: yes.
Comment: In silico analysis supports that this missense variant does not alter protein structure/function; Has not been previously published as pathogenic or benign to our knowledge

Literature cited by the submitters: PubMed 31847883 (cited by Ambry Genetics and Mayo Clinic Laboratories, Mayo Clinic).